The following is an entry in ClinVar:

NM_139058.3(ARX):c.61C>G (p.Pro21Ala)

Gene: ARX (aristaless related homeobox; minus strand). Cytogenetic location: Xp21.3.
Variant type: single nucleotide variant.
Coding change: c.61C>G on transcript NM_139058.3 (MANE Select); coding-DNA position 61, C replaced by G.
Protein change: p.Pro21Ala; replaces proline 21 with alanine.
Molecular consequence: missense variant.
Genome position (GRCh38, 1-based): chrX:25,015,677, G>C on the plus strand (C>G on the coding strand, the complement: ARX is on the minus strand). VCF-style: chrX-25015677-G-C. GRCh37 (hg19) VCF-style: chrX-25033794-G-C.
Other names: c.61C>G (NM_139058.2); short protein forms P21A.
Identifiers: ClinVar variation 1421390 (VCV001421390.6), dbSNP rs1601949554, ClinGen allele CA412613981.

ClinVar aggregate classification (germline): Uncertain significance. Review status: criteria provided, multiple submitters, no conflicts (2 of 4 stars). 2 submissions from 2 submitters: Uncertain significance (2). Last evaluated 2025-01-10.

Conditions:
Intellectual disability, X-linked, with or without seizures, ARX-related. Also called: INTELLECTUAL DEVELOPMENTAL DISORDER, X-LINKED 29; Mental retardation, X-linked 52; MENTAL RETARDATION, X-LINKED 29; MENTAL RETARDATION, X-LINKED 32; MENTAL RETARDATION, X-LINKED 33; MENTAL RETARDATION, X-LINKED 38. Identifiers: Orphanet 777, MedGen C0796244, MONDO:0010317, OMIM 300419.
Developmental and epileptic encephalopathy, 1 (DEE1). Also called: X-linked infantile spasms; West's syndrome; Tonic spasms with clustering, arrest of psychomotor development and hypsarrhythmia on EEG; X-Linked Infantile Spasm Syndrome; OHTAHARA SYNDROME, X-LINKED; Epileptic encephalopathy, early infantile, 1. Identifiers: MedGen C3463992, MONDO:0010632, OMIM 308350. Disease mechanism: loss of function.
Inborn genetic diseases. Identifiers: MedGen C0950123, MeSH D030342.

Allele frequency attached by ClinVar (database versions not stated): TOPMed below 0.00001.

Submissions (2):

Ambry Genetics
Classification: Uncertain significance for Inborn genetic diseases. Last evaluated: 2025-01-10. Review status: criteria provided, single submitter. Criteria: Ambry Variant Classification Scheme 2023. Collection method: clinical testing. Allele origin: germline.

Labcorp Genetics (formerly Invitae), Labcorp
Classification: Uncertain significance for Developmental and epileptic encephalopathy, 1; Intellectual disability, X-linked, with or without seizures, ARX-related. Last evaluated: 2021-08-24. Review status: criteria provided, single submitter. Criteria: Invitae Variant Classification Sherloc (09022015). Collection method: clinical testing. Allele origin: germline.
Comment: This sequence change replaces proline with alanine at codon 21 of the ARX protein (p.Pro21Ala). The proline residue is highly conserved and there is a small physicochemical difference between proline and alanine. This variant is not present in population databases (ExAC no frequency). This variant has not been reported in the literature in individuals affected with ARX-related conditions. Advanced modeling of protein sequence and biophysical properties (such as structural, functional, and spatial information, amino acid conservation, physicochemical variation, residue mobility, and thermodynamic stability) performed at Invitae indicates that this missense variant is expected to disrupt ARX protein function. In summary, the available evidence is currently insufficient to determine the role of this variant in disease. Therefore, it has been classified as a Variant of Uncertain Significance.